The following is an entry in ClinVar:

ClinVar aggregate classification (germline): Uncertain significance. Review status: criteria provided, single submitter (1 of 4 stars). 2 submissions from 2 submitters: Uncertain significance (1). 1 of the submissions does not count toward it. Last evaluated 2025-11-14.

Conditions:
ERBIN-related disorder. Also called: ERBIN-related condition.

Allele frequency attached by ClinVar (database versions not stated): gnomAD exomes 0.00001 and 0.00002; ExAC 0.00002; ESP Exome Variant Server 0.00008; gnomAD 0.00012 and 0.00013; 1000 Genomes Project 30x 0.00016; TOPMed 0.00019; 1000 Genomes Project 0.00020.

Submissions (2):

Labcorp Genetics (formerly Invitae), Labcorp
Classification: Uncertain significance. Last evaluated: 2025-11-14. Review status: criteria provided, single submitter. Criteria: Invitae Variant Classification Sherloc (09022015). Collection method: clinical testing. Allele origin: germline.
Comment: This sequence change replaces asparagine, which is neutral and polar, with serine, which is neutral and polar, at codon 799 of the ERBIN protein (p.Asn799Ser). This variant is present in population databases (rs376784735, gnomAD 0.02%). This variant has not been reported in the literature in individuals affected with ERBIN-related conditions. ClinVar contains an entry for this variant (Variation ID: 1449957). An algorithm developed to predict the effect of missense changes on protein structure and function outputs the following: PolyPhen-2: "Benign". The serine amino acid residue is found in multiple mammalian species, which suggests that this missense change does not adversely affect protein function. In summary, the available evidence is currently insufficient to determine the role of this variant in disease. Therefore, it has been classified as a Variant of Uncertain Significance.

PreventionGenetics, part of Exact Sciences
Classification: Uncertain significance for ERBIN-related condition. Last evaluated: 2024-03-20. Review status: no assertion criteria provided. Collection method: clinical testing. Allele origin: germline. Not counted in ClinVar's aggregate classification.
Comment: The ERBIN c.2396A>G variant is predicted to result in the amino acid substitution p.Asn799Ser. To our knowledge, this variant has not been reported in the literature. This variant is reported in 0.020% of alleles in individuals of African descent in gnomAD. At this time, the clinical significance of this variant is uncertain due to the absence of conclusive functional and genetic evidence.

NM_001253697.2(ERBIN):c.2396A>G (p.Asn799Ser)

Gene: ERBIN (erbb2 interacting protein; plus strand). Cytogenetic location: 5q12.3.
Variant type: single nucleotide variant.
Coding change: c.2396A>G on transcript NM_001253697.2 (MANE Select); coding-DNA position 2396, A replaced by G.
Protein change: p.Asn799Ser; replaces asparagine 799 with serine.
Molecular consequence: missense variant.
Genome position (GRCh38, 1-based): chr5:66,053,714, A>G. VCF-style: chr5-66053714-A-G. GRCh37 (hg19) VCF-style: chr5-65349542-A-G.
Other names: c.2396A>G, p.Asn799Ser (NM_001006600.3, NM_001253698.2, NM_001253699.2 and 1 more transcripts); c.2384A>G, p.Asn795Ser (NM_001253701.2); c.2396A>G (NM_001006600.2); short protein forms N799S, N795S.
Identifiers: ClinVar variation 1449957 (VCV001449957.9), dbSNP rs376784735, ClinGen allele CA3286479.